The following is an entry in ClinVar:

ClinVar aggregate classification (germline): Uncertain significance (1 of 4 stars; one submission).

Conditions:
Melanoma, cutaneous malignant, susceptibility to, 5. Also called: Cutaneous malignant melanoma 5. Identifiers: Orphanet 618, MedGen C2751295, MONDO:0013133, OMIM 613099.

Submission:

Labcorp Genetics (formerly Invitae), Labcorp
Classification: Uncertain significance for Melanoma, cutaneous malignant, susceptibility to, 5. Last evaluated: 2022-07-21. Review status: criteria provided, single submitter. Criteria: Invitae Variant Classification Sherloc (09022015). Collection method: clinical testing. Allele origin: germline.
Comment: This variant has not been reported in the literature in individuals affected with MC1R-related conditions. In summary, the available evidence is currently insufficient to determine the role of this variant in disease. Therefore, it has been classified as a Variant of Uncertain Significance. Experimental studies and prediction algorithms are not available or were not evaluated, and the functional significance of this variant is currently unknown. This variant, c.25_27del, results in the deletion of 1 amino acid(s) of the MC1R protein (p.Arg9del), but otherwise preserves the integrity of the reading frame. This variant is not present in population databases (gnomAD no frequency).

NM_002386.4(MC1R):c.22AGA[1] (p.Arg9del)

Gene: MC1R (melanocortin 1 receptor; plus strand). Cytogenetic location: 16q24.3.
Variant type: Microsatellite.
Coding change: c.22AGA[1] on transcript NM_002386.4 (MANE Select); one copy of the 3-base unit AGA starting at c.22; the reference has two copies in a row; one copy, 3 bases deleted.
Protein change: p.Arg9del; deletes arginine 9.
Molecular consequence: inframe deletion.
Genome position (GRCh38, 1-based): chr16:89,919,283-89,919,285, AGA deleted; deleting any 3 consecutive bases within chr16:89,919,280-89,919,285 gives the same sequence; the position shown is the placement nearest the transcript's 3' end. VCF-style (leftmost placement, unchanged base first): chr16-89919279-GAGA-G. GRCh37 (hg19) VCF-style: chr16-89985687-GAGA-G.
Other names: short protein forms R9del.
Identifiers: ClinVar variation 2018623 (VCV002018623.4), dbSNP rs2544608538, ClinGen allele CA2580613951.
Genomic context (GRCh38, chr16:89,919,279, plus strand): 5'-GAGGCCTCCAACGACTCCTTCCTGCTTCCTGGACAGGACTATGGCTGTGCAGGGATCCCA[GAGA>G]AGACTTCTGGGCTCCCTCAACTCCACCCCCACAGCCATCCCCCAGCTGGGGCTGGCTGCC-3'